The following is an entry in ClinVar:

NM_002485.5(NBN):c.950T>G (p.Met317Arg)

Gene: NBN (nibrin; minus strand). Cytogenetic location: 8q21.3.
Variant type: single nucleotide variant.
Coding change: c.950T>G on transcript NM_002485.5 (MANE Select); coding-DNA position 950, T replaced by G.
Protein change: p.Met317Arg; replaces methionine 317 with arginine.
Molecular consequence: missense variant.
Genome position (GRCh38, 1-based): chr8:89,964,454, A>C on the plus strand (T>G on the coding strand, the complement: NBN is on the minus strand). VCF-style: chr8-89964454-A-C. GRCh37 (hg19) VCF-style: chr8-90976682-A-C.
Other names: c.704T>G, p.Met235Arg (NM_001024688.3); short protein forms M317R, M235R.
Identifiers: ClinVar variation 2566731 (VCV002566731.2), dbSNP rs1586075983, ClinGen allele CA371656976.

ClinVar aggregate classification (germline): Uncertain significance (1 of 4 stars; one submission).

Conditions:
Hereditary cancer-predisposing syndrome. Also called: Hereditary neoplastic syndrome; Hereditary Cancer Syndrome; Neoplastic Syndromes, Hereditary; Tumor predisposition. Identifiers: Orphanet 140162, MedGen C0027672, MeSH D009386, MONDO:0015356.

Submission:

Ambry Genetics
Classification: Uncertain significance for Hereditary cancer-predisposing syndrome. Last evaluated: 2023-05-16. Review status: criteria provided, single submitter. Criteria: Ambry Variant Classification Scheme 2023. Collection method: clinical testing. Allele origin: germline.
Comment: The p.M317R variant (also known as c.950T>G), located in coding exon 8 of the NBN gene, results from a T to G substitution at nucleotide position 950. The methionine at codon 317 is replaced by arginine, an amino acid with similar properties. This amino acid position is well conserved in available vertebrate species. In addition, the in silico prediction for this alteration is inconclusive. Since supporting evidence is limited at this time, the clinical significance of this alteration remains unclear.